The following is an entry in ClinVar:

ClinVar aggregate classification (germline): Benign/Likely benign. Review status: criteria provided, multiple submitters, no conflicts (2 of 4 stars). 6 submissions from 6 submitters: Benign (3); Likely benign (2). 1 of the submissions does not count toward it. Last evaluated 2026-01-27.

Conditions:
COQ4-related disorder. Also called: COQ4-related condition.
Neonatal encephalomyopathy-cardiomyopathy-respiratory distress syndrome. Also called: Coenzyme Q10 deficiency, primary, 7. Identifiers: Orphanet 457185, MedGen C5568562, MONDO:0014562, OMIM 616276.

Allele frequency attached by ClinVar (database versions not stated): gnomAD exomes 0.00105; 1000 Genomes Project 0.00339; gnomAD 0.00411; 1000 Genomes Project 30x 0.00422; TOPMed 0.00454; ESP Exome Variant Server 0.00523.
gnomAD v4.1: 1,228 of 1,613,948 alleles (0.076%); highest among the groups gnomAD compares: African/African-American, 1.5%; 9 homozygotes.

Submissions (6):

Labcorp Genetics (formerly Invitae), Labcorp
Classification: Benign for Neonatal encephalomyopathy-cardiomyopathy-respiratory distress syndrome. Last evaluated: 2026-01-27. Review status: criteria provided, single submitter. Criteria: Invitae Variant Classification Sherloc (09022015). Collection method: clinical testing. Allele origin: germline.

Mayo Clinic Laboratories, Mayo Clinic
Classification: Benign. Last evaluated: 2025-06-26. Review status: criteria provided, single submitter. Criteria: ACMG Guidelines, 2015. Collection method: clinical testing. Allele origin: germline. Observed: 13 variant alleles.
Comment: BS1, BS2, BP4

Blueprint Genetics
Classification: Likely benign. Last evaluated: 2024-10-07. Review status: criteria provided, single submitter. Criteria: ACMG Guidelines, 2015. Collection method: clinical testing. Allele origin: germline.

CeGaT Center for Human Genetics Tuebingen
Classification: Likely benign. Last evaluated: 2024-08-01. Review status: criteria provided, single submitter. Criteria: CeGaT Center For Human Genetics Tuebingen Variant Classification Criteria Version 2. Collection method: clinical testing. Allele origin: germline. Affected: yes. Observed: 2 variant alleles.
Comment: COQ4: BP4, BS1

GeneDx
Classification: Benign. Last evaluated: 2020-05-13. Review status: criteria provided, single submitter. Criteria: GeneDx Variant Classification Process June 2021. Collection method: clinical testing. Allele origin: germline. Affected: yes.

PreventionGenetics, part of Exact Sciences
Classification: Benign for COQ4-related condition. Last evaluated: 2019-05-29. Review status: no assertion criteria provided. Collection method: clinical testing. Allele origin: germline. Not counted in ClinVar's aggregate classification.
Comment: This variant is classified as benign based on ACMG/AMP sequence variant interpretation guidelines (Richards et al. 2015 PMID: 25741868, with internal and published modifications).

NM_016035.5(COQ4):c.614G>A (p.Arg205Gln)

Gene: COQ4 (coenzyme Q4; plus strand). Cytogenetic location: 9q34.11.
Variant type: single nucleotide variant.
Coding change: c.614G>A on transcript NM_016035.5 (MANE Select); coding-DNA position 614, G replaced by A.
Protein change: p.Arg205Gln; replaces arginine 205 with glutamine.
Molecular consequence: missense variant. On other transcripts: intron variant (1).
Genome position (GRCh38, 1-based): chr9:128,332,931, G>A. VCF-style: chr9-128332931-G-A. GRCh37 (hg19) VCF-style: chr9-131095210-G-A.
Other names: p.Arg205Gln; c.3-543G>A (NM_001305942.2); short protein forms R205Q.
Identifiers: ClinVar variation 382106 (VCV000382106.40), dbSNP rs35213511, ClinGen allele CA5260637.